The following is an entry in ClinVar:

NM_000553.6(WRN):c.444A>G (p.Leu148=)

Gene: WRN (WRN RecQ like helicase; plus strand). Cytogenetic location: 8p12.
Variant type: single nucleotide variant.
Coding change: c.444A>G on transcript NM_000553.6 (MANE Select); coding-DNA position 444, A replaced by G.
Protein change: p.Leu148=; no amino-acid change (leucine 148 retained).
Molecular consequence: synonymous variant.
Genome position (GRCh38, 1-based): chr8:31,065,003, A>G. VCF-style: chr8-31065003-A-G. GRCh37 (hg19) VCF-style: chr8-30922519-A-G.
Identifiers: ClinVar variation 412713 (VCV000412713.23), dbSNP rs925567153, ClinGen allele CA16612417.

ClinVar aggregate classification (germline): Likely benign. Review status: criteria provided, multiple submitters, no conflicts (2 of 4 stars). 2 submissions from 2 submitters: Likely benign (2). Last evaluated 2025-04-28.

Conditions:
Werner syndrome (WRN). Identifiers: Orphanet 902, MedGen C0043119, MONDO:0010196, OMIM 277700.

Allele frequency attached by ClinVar (database versions not stated): gnomAD 0.00001; gnomAD exomes 0.00001; TOPMed 0.00003.
gnomAD v4.1: 10 of 1,613,612 alleles (0.00062%); highest among the groups gnomAD compares: South Asian, 0.0011%; no homozygotes.

Submissions (2):

Labcorp Genetics (formerly Invitae), Labcorp
Classification: Likely benign for Werner syndrome. Last evaluated: 2025-04-28. Review status: criteria provided, single submitter. Criteria: Invitae Variant Classification Sherloc (09022015). Collection method: clinical testing. Allele origin: germline.

CeGaT Center for Human Genetics Tuebingen
Classification: Likely benign. Last evaluated: 2024-12-01. Review status: criteria provided, single submitter. Criteria: CeGaT Center For Human Genetics Tuebingen Variant Classification Criteria Version 2. Collection method: clinical testing. Allele origin: germline. Affected: yes. Observed: 1 variant allele.
Comment: WRN: BP4, BP7